The following is an entry in ClinVar:

NM_001348716.2(KDM6B):c.654_655del (p.Glu220fs)

Gene: KDM6B (lysine demethylase 6B; plus strand). Cytogenetic location: 17p13.1.
Variant type: Deletion.
Coding change: c.654_655del on transcript NM_001348716.2 (MANE Select); coding-DNA positions 654 to 655, 2 bases deleted (AG; older notation c.654_655delAG).
Protein change: p.Glu220fs; shifts the reading frame from glutamic acid 220.
Molecular consequence: frameshift variant.
Genome position (GRCh38, 1-based): chr17:7,846,683-7,846,684, AG deleted. VCF-style (leftmost placement, unchanged base first): chr17-7846682-CAG-C. GRCh37 (hg19) VCF-style: chr17-7750000-CAG-C.
Other names: c.654_655del, p.Glu220fs (NM_001080424.2); c.654_655delAG (NM_001080424.1); short protein forms E220fs.
Identifiers: ClinVar variation 1704426 (VCV001704426.2), dbSNP rs2544521814, ClinGen allele CA2580094838.

ClinVar aggregate classification (germline): Pathogenic. Review status: criteria provided, single submitter (1 of 4 stars). 2 submissions from 2 submitters: Pathogenic (1). 1 of the submissions does not count toward it. Last evaluated 2024-09-06.

Conditions:
Inborn genetic diseases. Identifiers: MedGen C0950123, MeSH D030342.
Neurodevelopmental disorder with coarse facies and mild distal skeletal abnormalities. Also called: STOLERMAN NEURODEVELOPMENTAL SYNDROME. Identifiers: MedGen C5193134, MONDO:0032790, OMIM 618505.

Submissions (2):

Ambry Genetics
Classification: Pathogenic for Inborn genetic diseases. Last evaluated: 2024-09-06. Review status: criteria provided, single submitter. Criteria: Ambry Variant Classification Scheme 2023. Collection method: clinical testing. Allele origin: germline.
Comment: The c.654_655delAG (p.E220Gfs*16) alteration, located in exon 8 (coding exon 5) of the KDM6B gene, consists of a deletion of 2 nucleotides from position 654 to 655, causing a translational frameshift with a predicted alternate stop codon after 16 amino acids. This alteration is expected to result in loss of function by premature protein truncation or nonsense-mediated mRNA decay. This variant was not reported in population-based cohorts in the Genome Aggregation Database (gnomAD). Based on the available evidence, this alteration is classified as pathogenic.

Joint Genome Diagnostic Labs from Nijmegen and Maastricht, Radboudumc and MUMC+
Classification: Likely pathogenic for Neurodevelopmental disorder with coarse facies and mild distal skeletal abnormalities. Last evaluated: 2022-09-09. Review status: no assertion criteria provided. Collection method: research. Allele origin: de novo. Affected: yes. Not counted in ClinVar's aggregate classification.